The following is an entry in ClinVar:

NM_000400.4(ERCC2):c.1825dup (p.Asp609fs)

Gene: ERCC2 (ERCC excision repair 2, TFIIH core complex helicase subunit; minus strand). Cytogenetic location: 19q13.32.
Variant type: Duplication.
Coding change: c.1825dup on transcript NM_000400.4 (MANE Select); coding-DNA position 1825, one base duplicated (G; older notation c.1825dupG).
Protein change: p.Asp609fs; shifts the reading frame from aspartic acid 609.
Molecular consequence: frameshift variant. On other transcripts: non-coding transcript variant (3).
Genome position (GRCh38, 1-based): chr19:45,353,089, C duplicated on the plus strand (G on the coding strand, the reverse complement: ERCC2 is on the minus strand). VCF-style (leftmost placement, unchanged base first): chr19-45353088-T-TC. GRCh37 (hg19) VCF-style: chr19-45856346-T-TC.
Other names: c.1753dup, p.Asp585fs (NM_001440355.1); c.1747dup, p.Asp583fs (NM_001440356.1); c.1702dup, p.Asp568fs (NM_001440357.1); short protein forms D568fs, D583fs, D585fs, D609fs.
Identifiers: ClinVar variation 5015480 (VCV005015480.1).

ClinVar aggregate classification (germline): Pathogenic (1 of 4 stars; one submission).

Conditions:
ERCC2-related disorder. Also called: ERCC2-related conditions; ERCC2-related condition; ERCC2-related disorders. Identifiers: MedGen CN239291.

Submission:

Myriad Genetics, Inc.
Classification: Pathogenic for ERCC2-related disorder. Last evaluated: 2026-01-25. Review status: criteria provided, single submitter. Criteria: Myriad Autosomal Dominant, Autosomal Recessive and X-Linked Classification Criteria (2023). Collection method: clinical testing. Allele origin: unknown.
Comment: NM_000400.3(ERCC2):c.1825dupG(D609Gfs*40) is expected to be pathogenic in the context of ERCC2-related disorders. This variant is predicted to lead to an abnormal or absent protein product due to the creation of a premature termination codon in ERCC2, a gene where loss-of-function variants are known to be pathogenic. Please note: this variant was assessed in the context of healthy population screening.